The following is an entry in ClinVar:

NM_001042432.2(CLN3):c.662C>T (p.Ala221Val)

Gene: CLN3 (CLN3 lysosomal/endosomal transmembrane protein, battenin; minus strand). Cytogenetic location: 16p12.1.
Variant type: single nucleotide variant.
Coding change: c.662C>T on transcript NM_001042432.2 (MANE Select); coding-DNA position 662, C replaced by T.
Protein change: p.Ala221Val; replaces alanine 221 with valine.
Molecular consequence: missense variant.
Genome position (GRCh38, 1-based): chr16:28,486,362, G>A on the plus strand (C>T on the coding strand, the complement: CLN3 is on the minus strand). VCF-style: chr16-28486362-G-A. GRCh37 (hg19) VCF-style: chr16-28497683-G-A.
Other names: c.662C>T, p.Ala221Val (NM_000086.2); c.590C>T, p.Ala197Val (NM_001286104.2); c.362C>T, p.Ala121Val (NM_001286105.2); c.428C>T, p.Ala143Val (NM_001286109.2); c.500C>T, p.Ala167Val (NM_001286110.2); short protein forms A121V, A221V, A143V, A197V, A167V.
Identifiers: ClinVar variation 2200000 (VCV002200000.2), dbSNP rs1006677381, ClinGen allele CA279784384.

ClinVar aggregate classification (germline): Uncertain significance (1 of 4 stars; one submission).

Conditions:
Neuronal ceroid lipofuscinosis. Also called: Neuronal Ceroid Lipofuscinoses. Identifiers: Orphanet 216, Orphanet 79263, MedGen C0027877, MONDO:0016295. Disease mechanism: loss of function.

Allele frequency attached by ClinVar (database versions not stated): gnomAD exomes below 0.00001; TOPMed below 0.00001; gnomAD 0.00001.

Submission:

Labcorp Genetics (formerly Invitae), Labcorp
Classification: Uncertain significance for Neuronal ceroid lipofuscinosis. Last evaluated: 2025-03-17. Review status: criteria provided, single submitter. Criteria: Invitae Variant Classification Sherloc (09022015). Collection method: clinical testing. Allele origin: germline.
Comment: This sequence change replaces alanine, which is neutral and non-polar, with valine, which is neutral and non-polar, at codon 221 of the CLN3 protein (p.Ala221Val). This variant is present in population databases (no rsID available, gnomAD 0.01%). This variant has not been reported in the literature in individuals affected with CLN3-related conditions. ClinVar contains an entry for this variant (Variation ID: 2200000). Invitae Evidence Modeling of protein sequence and biophysical properties (such as structural, functional, and spatial information, amino acid conservation, physicochemical variation, residue mobility, and thermodynamic stability) indicates that this missense variant is not expected to disrupt CLN3 protein function with a negative predictive value of 80%. In summary, the available evidence is currently insufficient to determine the role of this variant in disease. Therefore, it has been classified as a Variant of Uncertain Significance.